The following is an entry in ClinVar:

ClinVar aggregate classification (germline): Pathogenic/Likely pathogenic. Review status: criteria provided, multiple submitters, no conflicts (2 of 4 stars). 2 submissions from 2 submitters: Pathogenic (1); Likely pathogenic (1). Last evaluated 2026-01-21.

Conditions:
Hereditary spastic paraplegia 4. Also called: Spastic Paraplegia 4; Spastic paraplegia 4, autosomal dominant; Familial spastic paraplegia autosomal dominant 2. Identifiers: Orphanet 100985, MedGen C1866855, MONDO:0008438, OMIM 182601.

Submissions (2):

GeneDx
Classification: Pathogenic. Last evaluated: 2026-01-21. Review status: criteria provided, single submitter. Criteria: GeneDx Variant Classification Process June 2021. Collection method: clinical testing. Allele origin: germline.
Comment: Reported in a patient with complicated hereditary spastic paraplegia with epilepsy; however, additional clinical information was not provided (PMID: 20718791); Not observed at significant frequency in large population cohorts (gnomAD); In silico analysis supports that this missense variant has a deleterious effect on protein structure/function; This variant is associated with the following publications: (PMID: 21139634, 26094131, 30476002, 20718791)

Labcorp Genetics (formerly Invitae), Labcorp
Classification: Likely pathogenic for Hereditary spastic paraplegia 4. Last evaluated: 2023-06-04. Review status: criteria provided, single submitter. Criteria: Invitae Variant Classification Sherloc (09022015). Collection method: clinical testing. Allele origin: germline.
Comment: In summary, the currently available evidence indicates that the variant is pathogenic, but additional data are needed to prove that conclusively. Therefore, this variant has been classified as Likely Pathogenic. This variant disrupts the p.Glu464 amino acid residue in SPAST. Other variant(s) that disrupt this residue have been observed in individuals with SPAST-related conditions (PMID: 20718791, 23252998, 31594988), which suggests that this may be a clinically significant amino acid residue. Advanced modeling of protein sequence and biophysical properties (such as structural, functional, and spatial information, amino acid conservation, physicochemical variation, residue mobility, and thermodynamic stability) performed at Invitae indicates that this missense variant is expected to disrupt SPAST protein function. This missense change has been observed in individuals with hereditary spastic paraplegia (PMID: 20718791; Invitae). This variant is not present in population databases (gnomAD no frequency). This sequence change replaces glutamic acid, which is acidic and polar, with alanine, which is neutral and non-polar, at codon 464 of the SPAST protein (p.Glu464Ala).

Literature cited by the submitters: PubMed 20718791 (cited by Labcorp Genetics (formerly Invitae), Labcorp); PubMed 23252998 (cited by Labcorp Genetics (formerly Invitae), Labcorp); PubMed 31594988 (cited by Labcorp Genetics (formerly Invitae), Labcorp).

NM_014946.4(SPAST):c.1391A>C (p.Glu464Ala)

Gene: SPAST (spastin; plus strand). Cytogenetic location: 2p22.3.
Variant type: single nucleotide variant.
Coding change: c.1391A>C on transcript NM_014946.4 (MANE Select); coding-DNA position 1391, A replaced by C.
Protein change: p.Glu464Ala; replaces glutamic acid 464 with alanine.
Molecular consequence: missense variant.
Genome position (GRCh38, 1-based): chr2:32,136,946, A>C. VCF-style: chr2-32136946-A-C. GRCh37 (hg19) VCF-style: chr2-32362015-A-C.
Other names: c.1388A>C, p.Glu463Ala (NM_001363823.2); c.1292A>C, p.Glu431Ala (NM_001363875.2); c.1295A>C, p.Glu432Ala (NM_001377959.1, NM_199436.2); short protein forms E431A, E432A, E463A, E464A.
Identifiers: ClinVar variation 2734151 (VCV002734151.4), dbSNP rs1553318251, ClinGen allele CA346502316.
Genomic context (GRCh38, chr2:32,136,946, plus strand): 5'-ATAGCCTTTTGTGTGAAAGAAGAGAAGGGGAGCACGATGCTAGTAGACGCCTAAAAACTG[A>C]ATTTCTAATAGAATTTGATGGTGTAAGTGTTGATTATGATATTTTTAATGTGGCAGCATT-3'
Protein context (NP_055761.2, residues 454-474): EHDASRRLKT[Glu464Ala]FLIEFDGVQS